The following is an entry in ClinVar:

NM_001369268.1(ACAN):c.2843C>T (p.Ala948Val)

Gene: ACAN (aggrecan; plus strand). Cytogenetic location: 15q26.1.
Variant type: single nucleotide variant.
Coding change: c.2843C>T on transcript NM_001369268.1 (MANE Select); coding-DNA position 2843, C replaced by T.
Protein change: p.Ala948Val; replaces alanine 948 with valine.
Molecular consequence: missense variant.
Genome position (GRCh38, 1-based): chr15:88,855,428, C>T. VCF-style: chr15-88855428-C-T. GRCh37 (hg19) VCF-style: chr15-89398659-C-T.
Other names: c.2843C>T, p.Ala948Val (NM_001135.4, NM_001411096.1, NM_001411097.1 and 1 more transcripts); short protein forms A948V.
Identifiers: ClinVar variation 2645672 (VCV002645672.25), dbSNP rs559189679, ClinGen allele CA7719945.

ClinVar aggregate classification (germline): Likely benign. Review status: criteria provided, multiple submitters, no conflicts (2 of 4 stars). 2 submissions from 2 submitters: Likely benign (2). Last evaluated 2025-01-01.

Allele frequency attached by ClinVar (database versions not stated): TOPMed 0.00007; gnomAD 0.00014; gnomAD exomes 0.00025; ExAC 0.00055; 1000 Genomes Project 0.00080.
gnomAD v4.1: 384 of 1,613,346 alleles (0.024%); highest among the groups gnomAD compares: South Asian, 0.33%; 4 homozygotes.

Submissions (2):

CeGaT Center for Human Genetics Tuebingen
Classification: Likely benign. Last evaluated: 2025-01-01. Review status: criteria provided, single submitter. Criteria: CeGaT Center For Human Genetics Tuebingen Variant Classification Criteria Version 2. Collection method: clinical testing. Allele origin: germline. Affected: yes. Observed: 2 variant alleles.
Comment: ACAN: BS1

Blueprint Genetics
Classification: Likely benign. Last evaluated: 2024-11-27. Review status: criteria provided, single submitter. Criteria: ACMG Guidelines, 2015. Collection method: clinical testing. Allele origin: germline.